The following is an entry in ClinVar:

NM_032119.4(ADGRV1):c.10322G>C (p.Gly3441Ala)

Gene: ADGRV1 (adhesion G protein-coupled receptor V1; plus strand). Cytogenetic location: 5q14.3.
Variant type: single nucleotide variant.
Coding change: c.10322G>C on transcript NM_032119.4 (MANE Select); coding-DNA position 10322, G replaced by C.
Protein change: p.Gly3441Ala; replaces glycine 3441 with alanine.
Molecular consequence: missense variant. On other transcripts: non-coding transcript variant (1).
Genome position (GRCh38, 1-based): chr5:90,728,829, G>C. VCF-style: chr5-90728829-G-C. GRCh37 (hg19) VCF-style: chr5-90024646-G-C.
Other names: c.10322G>C (NM_032119.3); short protein forms G3441A.
Identifiers: ClinVar variation 499743 (VCV000499743.16), dbSNP rs200464486, ClinGen allele CA3340727.

ClinVar aggregate classification (germline): Conflicting classifications of pathogenicity. Review status: criteria provided, conflicting classifications (1 of 4 stars). 6 submissions from 6 submitters: Uncertain significance (5); Benign (1). Last evaluated 2026-05-19.

Conditions:
ADGRV1-related disorder. Also called: ADGRV1-related condition; ADGRV1-related disorders.
Inborn genetic diseases. Identifiers: MedGen C0950123, MeSH D030342.

Allele frequency attached by ClinVar (database versions not stated): ExAC 0.00004; ESP Exome Variant Server 0.00008; TOPMed 0.00015; 1000 Genomes Project 30x 0.00016; 1000 Genomes Project 0.00020; gnomAD 0.00023 and 0.00024.
gnomAD v4.1: 61 of 1,613,832 alleles (0.0038%); highest among the groups gnomAD compares: African/African-American, 0.072%; no homozygotes.

Submissions (6):

PreventionGenetics, part of Exact Sciences
Classification: Uncertain significance for ADGRV1-related condition. Last evaluated: 2026-05-19. Review status: criteria provided, single submitter. Criteria: ACMG Guidelines, 2015. Collection method: clinical testing. Allele origin: germline.
Comment: The ADGRV1 c.10322G>C variant is predicted to result in the amino acid substitution p.Gly3441Ala. To our knowledge, this variant has not been reported in the literature. This variant is reported in 0.083% of alleles in individuals of African descent in gnomAD, which may be too frequent to be a primary cause of disease. Although we suspect that this variant may be benign, at this time, the clinical significance of this variant is uncertain due to the absence of conclusive functional and genetic evidence.

Labcorp Genetics (formerly Invitae), Labcorp
Classification: Benign. Last evaluated: 2025-10-26. Review status: criteria provided, single submitter. Criteria: Invitae Variant Classification Sherloc (09022015). Collection method: clinical testing. Allele origin: germline.

Ambry Genetics
Classification: Uncertain significance for Inborn genetic diseases. Last evaluated: 2025-03-07. Review status: criteria provided, single submitter. Criteria: Ambry Variant Classification Scheme 2023. Collection method: clinical testing. Allele origin: germline.

Blueprint Genetics
Classification: Uncertain significance. Last evaluated: 2024-03-07. Review status: criteria provided, single submitter. Criteria: ACMG Guidelines, 2015. Collection method: clinical testing. Allele origin: germline.

Eurofins Ntd Llc (ga)
Classification: Uncertain significance. Last evaluated: 2017-01-26. Review status: criteria provided, single submitter. Criteria: EGL Classification Definitions 2015. Collection method: clinical testing. Allele origin: germline. Observed: 1 variant allele, 1 heterozygote.

Breakthrough Genomics
Classification: Uncertain significance. Review status: criteria provided, single submitter. Criteria: ACMG Guidelines, 2015. Collection method: not provided. Allele origin: germline. Inheritance: Autosomal recessive inheritance. Affected: yes.